The following is an entry in ClinVar:

NM_032888.4(COL27A1):c.4729G>T (p.Gly1577Ter)

Gene: COL27A1 (collagen type XXVII alpha 1 chain; plus strand). Cytogenetic location: 9q32.
Variant type: single nucleotide variant.
Coding change: c.4729G>T on transcript NM_032888.4 (MANE Select); coding-DNA position 4729, G replaced by T.
Protein change: p.Gly1577Ter; replaces glycine 1577 with a stop codon.
Molecular consequence: nonsense.
Genome position (GRCh38, 1-based): chr9:114,301,099, G>T. VCF-style: chr9-114301099-G-T. GRCh37 (hg19) VCF-style: chr9-117063379-G-T.
Other names: short protein forms G1577*.
Identifiers: ClinVar variation 2019531 (VCV002019531.4), dbSNP rs1248510232, ClinGen allele CA374592776.
Genomic context (GRCh38, chr9:114,301,099, plus strand): 5'-ACAAGGACACATGAGCCTTTCTGTCTCCTTTAGGGAAAGGAAGGCATCGTCGGGCCCCTC[G>T]GAATCCTGGGACCTTCGGGACTCCCGGTATGTGTGGGGATTGGACAGGAAGACTCCGGGG-3'

ClinVar aggregate classification (germline): Pathogenic (1 of 4 stars; one submission).

Submission:

Labcorp Genetics (formerly Invitae), Labcorp
Classification: Pathogenic. Last evaluated: 2022-07-25. Review status: criteria provided, single submitter. Criteria: Invitae Variant Classification Sherloc (09022015). Collection method: clinical testing. Allele origin: germline.
Comment: For these reasons, this variant has been classified as Pathogenic. This variant has not been reported in the literature in individuals affected with COL27A1-related conditions. This variant is not present in population databases (gnomAD no frequency). This sequence change creates a premature translational stop signal (p.Gly1577*) in the COL27A1 gene. It is expected to result in an absent or disrupted protein product. Loss-of-function variants in COL27A1 are known to be pathogenic (PMID: 24986830, 28276056).

Literature cited by the submitters: PubMed 24986830; PubMed 28276056.